The following is an entry in ClinVar:

NM_021815.5(SLC5A7):c.1697T>C (p.Val566Ala)

Gene: SLC5A7 (solute carrier family 5 member 7; plus strand). Cytogenetic location: 2q12.3.
Variant type: single nucleotide variant.
Coding change: c.1697T>C on transcript NM_021815.5 (MANE Select); coding-DNA position 1697, T replaced by C.
Protein change: p.Val566Ala; replaces valine 566 with alanine.
Molecular consequence: missense variant.
Genome position (GRCh38, 1-based): chr2:108,010,815, T>C. VCF-style: chr2-108010815-T-C. GRCh37 (hg19) VCF-style: chr2-108627271-T-C.
Other names: c.1697T>C, p.Val566Ala (NM_001305005.3); c.1382T>C, p.Val461Ala (NM_001305006.3); c.956T>C, p.Val319Ala (NM_001305007.3); short protein forms V319A, V566A, V461A.
Identifiers: ClinVar variation 968461 (VCV000968461.7), dbSNP rs202227094, ClinGen allele CA53969298.

ClinVar aggregate classification (germline): Uncertain significance (1 of 4 stars; one submission).

Conditions:
Neuronopathy, distal hereditary motor, type 7A. Also called: Neuronopathy, distal hereditary motor, autosomal dominant 7; HARPER-YOUNG MYOPATHY; HMN VIIA; NEURONOPATHY, DISTAL HEREDITARY MOTOR, HARDING TYPE VIIA; NEUROPATHY, DISTAL HEREDITARY MOTOR, HARDING TYPE VIIA; Neuronopathy, distal hereditary motor, type viia. Identifiers: Orphanet 139589, MedGen C1834703, MONDO:0008024, OMIM 158580.
Congenital myasthenic syndrome 20. Also called: Myasthenic syndrome, congenital, 20, presynaptic. Identifiers: MedGen C4310694, MONDO:0014939, OMIM 617143.

Allele frequency attached by ClinVar (database versions not stated): gnomAD exomes below 0.00001; TOPMed below 0.00001.
gnomAD v4.1: 2 of 1,610,986 alleles (0.00012%); highest among the groups gnomAD compares: Middle Eastern, 0.017%; no homozygotes.

Submission:

Labcorp Genetics (formerly Invitae), Labcorp
Classification: Uncertain significance for Neuronopathy, distal hereditary motor, type 7A; Congenital myasthenic syndrome 20. Last evaluated: 2022-02-05. Review status: criteria provided, single submitter. Criteria: Invitae Variant Classification Sherloc (09022015). Collection method: clinical testing. Allele origin: germline.
Comment: This sequence change replaces valine, which is neutral and non-polar, with alanine, which is neutral and non-polar, at codon 566 of the SLC5A7 protein (p.Val566Ala). This variant is not present in population databases (gnomAD no frequency). This variant has not been reported in the literature in individuals affected with SLC5A7-related conditions. ClinVar contains an entry for this variant (Variation ID: 968461). Algorithms developed to predict the effect of missense changes on protein structure and function (SIFT, PolyPhen-2, Align-GVGD) all suggest that this variant is likely to be tolerated. In summary, the available evidence is currently insufficient to determine the role of this variant in disease. Therefore, it has been classified as a Variant of Uncertain Significance.